The following is an entry in ClinVar:

NM_022370.4(ROBO3):c.2957A>G (p.Asn986Ser)

Gene: ROBO3 (roundabout guidance receptor 3; plus strand). Cytogenetic location: 11q24.2.
Variant type: single nucleotide variant.
Coding change: c.2957A>G on transcript NM_022370.4 (MANE Select); coding-DNA position 2957, A replaced by G.
Protein change: p.Asn986Ser; replaces asparagine 986 with serine.
Molecular consequence: missense variant. On other transcripts: non-coding transcript variant (7).
Genome position (GRCh38, 1-based): chr11:124,877,629, A>G. VCF-style: chr11-124877629-A-G. GRCh37 (hg19) VCF-style: chr11-124747525-A-G.
Other names: c.104A>G, p.Asn35Ser (NM_001370356.1, NM_001370357.1, NM_001370358.1 and 4 more transcripts); short protein forms N35S, N986S.
Identifiers: ClinVar variation 3767681 (VCV003767681.2).

ClinVar aggregate classification (germline): Uncertain significance. Review status: criteria provided, multiple submitters, no conflicts (2 of 4 stars). 2 submissions from 2 submitters: Uncertain significance (2). Last evaluated 2025-03-09.

Conditions:
Inborn genetic diseases. Identifiers: MedGen C0950123, MeSH D030342.

gnomAD v4.1: 28 of 1,610,818 alleles (0.0017%); highest among the groups gnomAD compares: Admixed American, 0.01%; no homozygotes.

Submissions (2):

Ambry Genetics
Classification: Uncertain significance for Inborn genetic diseases. Last evaluated: 2025-03-09. Review status: criteria provided, single submitter. Criteria: Ambry Variant Classification Scheme 2023. Collection method: clinical testing. Allele origin: germline.

GeneDx
Classification: Uncertain significance. Last evaluated: 2024-09-03. Review status: criteria provided, single submitter. Criteria: GeneDx Variant Classification Process June 2021. Collection method: clinical testing. Allele origin: germline. Affected: yes.
Comment: In silico analysis indicates that this missense variant does not alter protein structure/function; Has not been previously published as pathogenic or benign to our knowledge